The following is an entry in ClinVar:

ClinVar aggregate classification (germline): Pathogenic. Review status: criteria provided, multiple submitters, no conflicts (2 of 4 stars). 4 submissions from 4 submitters: Pathogenic (4). Last evaluated 2025-10-27.

Conditions:
Hereditary nonpolyposis colorectal neoplasms. Identifiers: MedGen C0009405, MeSH D003123.
Hereditary cancer-predisposing syndrome. Also called: Tumor predisposition; Hereditary neoplastic syndrome; Neoplastic Syndromes, Hereditary; Hereditary Cancer Syndrome. Identifiers: Orphanet 140162, MedGen C0027672, MeSH D009386, MONDO:0015356.
Lynch syndrome 5 (LYNCH5). Also called: Colorectal cancer, hereditary nonpolyposis, type 5; Hereditary non-polyposis colorectal cancer, type 5. Identifiers: Orphanet 144, MedGen C1833477, MONDO:0013710, OMIM 614350. Disease mechanism: loss of function.

Submissions (4):

Color Diagnostics, LLC DBA Color Health
Classification: Pathogenic for Hereditary cancer-predisposing syndrome. Last evaluated: 2025-10-27. Review status: criteria provided, single submitter. Criteria: ACMG Guidelines, 2015. Collection method: clinical testing. Allele origin: germline.
Comment: This variant deletes 10 nucleotides in exon 4 of the MSH6 gene, creating a frameshift and premature translation stop signal. This variant is expected to result in an absent or non-functional protein product. To our knowledge, this variant has not been reported in individuals affected with MSH6-related disorders in the literature. This variant has not been identified in the general population by the Genome Aggregation Database (gnomAD). Loss of MSH6 function is a known mechanism of disease. Based on the available evidence, this variant is classified as Pathogenic.

Labcorp Genetics (formerly Invitae), Labcorp
Classification: Pathogenic for Hereditary nonpolyposis colorectal neoplasms. Last evaluated: 2025-09-13. Review status: criteria provided, single submitter. Criteria: Invitae Variant Classification Sherloc (09022015). Collection method: clinical testing. Allele origin: germline.
Comment: This sequence change creates a premature translational stop signal (p.Leu647Alafs*4) in the MSH6 gene. It is expected to result in an absent or disrupted protein product. Loss-of-function variants in MSH6 are known to be pathogenic (PMID: 18269114, 24362816). This variant is not present in population databases (gnomAD no frequency). This variant has not been reported in the literature in individuals affected with MSH6-related conditions. ClinVar contains an entry for this variant (Variation ID: 1076190). For these reasons, this variant has been classified as Pathogenic.

Ambry Genetics
Classification: Pathogenic for Hereditary cancer-predisposing syndrome. Last evaluated: 2025-08-21. Review status: criteria provided, single submitter. Criteria: Ambry Variant Classification Scheme 2023. Collection method: clinical testing. Allele origin: germline.
Comment: The c.1939_1948del10 pathogenic mutation, located in coding exon 4 of the MSH6 gene, results from a deletion of 10 nucleotides at nucleotide positions 1939 to 1948, causing a translational frameshift with a predicted alternate stop codon (p.L647Afs*4). This alteration is expected to result in loss of function by premature protein truncation or nonsense-mediated mRNA decay. As such, this alteration is interpreted as a disease-causing mutation.

Myriad Genetics, Inc.
Classification: Pathogenic for Lynch syndrome 5. Last evaluated: 2023-08-16. Review status: criteria provided, single submitter. Criteria: Myriad Autosomal Dominant, Autosomal Recessive and X-Linked Classification Criteria (2023). Collection method: clinical testing. Allele origin: unknown.
Comment: This variant is considered pathogenic. This variant creates a frameshift predicted to result in premature protein truncation.

Literature cited by the submitters: PubMed 18269114 (cited by Labcorp Genetics (formerly Invitae), Labcorp); PubMed 24362816 (cited by Labcorp Genetics (formerly Invitae), Labcorp).

NM_000179.3(MSH6):c.1939_1948del (p.Leu647fs)

Gene: MSH6 (mutS homolog 6; plus strand). Cytogenetic location: 2p16.3.
Variant type: Deletion.
Coding change: c.1939_1948del on transcript NM_000179.3 (MANE Select); coding-DNA positions 1939 to 1948, 10 bases deleted (CTAAGTGATG; older notation c.1939_1948delCTAAGTGATG).
Protein change: p.Leu647fs; shifts the reading frame from leucine 647.
Molecular consequence: frameshift variant.
Genome position (GRCh38, 1-based): chr2:47,799,922-47,799,931, CTAAGTGATG deleted; deleting any 10 consecutive bases within chr2:47,799,921-47,799,931 gives the same sequence; the c. name uses the placement nearest the transcript's 3' end. VCF-style (leftmost placement, unchanged base first): chr2-47799920-AGCTAAGTGAT-A. GRCh37 (hg19) VCF-style: chr2-48027059-AGCTAAGTGAT-A.
Other names: c.1549_1558del, p.Leu517fs (NM_001281492.2); c.1033_1042del, p.Leu345fs (NM_001281493.2, NM_001281494.2); short protein forms L345fs, L517fs, L647fs.
Identifiers: ClinVar variation 1076190 (VCV001076190.11), dbSNP rs2104377567, ClinGen allele CA2499216110.